The following is an entry in ClinVar:

ClinVar aggregate classification (germline): Conflicting classifications of pathogenicity. Review status: criteria provided, conflicting classifications (1 of 4 stars). 2 submissions from 2 submitters: Uncertain significance (1); Likely benign (1). Last evaluated 2022-06-29.

Conditions:
Inborn genetic diseases. Identifiers: MedGen C0950123, MeSH D030342.

Allele frequency attached by ClinVar (database versions not stated): gnomAD 0.00001; TOPMed 0.00001; ExAC 0.00002; gnomAD exomes 0.00002 and 0.00003.
gnomAD v4.1: 44 of 1,613,806 alleles (0.0027%); highest among the groups gnomAD compares: Non-Finnish European, 0.0037%; no homozygotes.

Submissions (2):

Ambry Genetics
Classification: Uncertain significance for Inborn genetic diseases. Last evaluated: 2022-06-29. Review status: criteria provided, single submitter. Criteria: Ambry Variant Classification Scheme 2023. Collection method: clinical testing. Allele origin: germline.

GeneDx
Classification: Likely benign. Last evaluated: 2015-05-13. Review status: criteria provided, single submitter. Criteria: GeneDx Variant Classification (06012015). Collection method: clinical testing. Allele origin: germline. Affected: yes.
Comment: This variant is considered likely benign or benign based on one or more of the following criteria: it is a conservative change, it occurs at a poorly conserved position in the protein, it is predicted to be benign by multiple in silico algorithms, and/or has population frequency not consistent with disease.

NM_133259.4(LRPPRC):c.365A>G (p.His122Arg)

Gene: LRPPRC (leucine rich pentatricopeptide repeat containing; minus strand). Cytogenetic location: 2p21.
Variant type: single nucleotide variant.
Coding change: c.365A>G on transcript NM_133259.4 (MANE Select); coding-DNA position 365, A replaced by G.
Protein change: p.His122Arg; replaces histidine 122 with arginine.
Molecular consequence: missense variant.
Genome position (GRCh38, 1-based): chr2:43,979,930, T>C on the plus strand (A>G on the coding strand, the complement: LRPPRC is on the minus strand). VCF-style: chr2-43979930-T-C. GRCh37 (hg19) VCF-style: chr2-44207069-T-C.
Other names: short protein forms H122R.
Identifiers: ClinVar variation 379602 (VCV000379602.3), dbSNP rs767831585, ClinGen allele CA1639381.